The following is an entry in ClinVar:

NM_002691.4(POLD1):c.2983C>T (p.Leu995Phe)

Gene: POLD1 (DNA polymerase delta 1, catalytic subunit; plus strand). Cytogenetic location: 19q13.33.
Variant type: single nucleotide variant.
Coding change: c.2983C>T on transcript NM_002691.4 (MANE Select); coding-DNA position 2983, C replaced by T.
Protein change: p.Leu995Phe; replaces leucine 995 with phenylalanine.
Molecular consequence: missense variant. On other transcripts: non-coding transcript variant (1).
Genome position (GRCh38, 1-based): chr19:50,416,639, C>T. VCF-style: chr19-50416639-C-T. GRCh37 (hg19) VCF-style: chr19-50919896-C-T.
Other names: c.2983C>T, p.Leu995Phe (NM_001256849.1); c.3061C>T, p.Leu1021Phe (NM_001308632.1); short protein forms L1021F, L995F.
Identifiers: ClinVar variation 239326 (VCV000239326.19), dbSNP rs773795511, ClinGen allele CA9596721.

ClinVar aggregate classification (germline): Uncertain significance. Review status: criteria provided, multiple submitters, no conflicts (2 of 4 stars). 5 submissions from 5 submitters: Uncertain significance (5). Last evaluated 2025-08-18.

Conditions:
POLD1-related polyposis and colorectal cancer syndrome (CRCS10). Also called: COLORECTAL CANCER, SUSCEPTIBILITY TO, ON CHROMOSOME 19q; Colorectal cancer 10; Colorectal cancer, susceptibility to, 10. Identifiers: Orphanet 220460, MedGen C2675481, MONDO:0012953, OMIM 612591.
Immunodeficiency 120. Identifiers: MedGen C5935622, MONDO:0970994, OMIM 620836.
Mandibular hypoplasia-deafness-progeroid syndrome. Also called: Mandibular hypoplasia, deafness, progeroid features, and lipodystrophy syndrome. Identifiers: Orphanet 363649, MedGen C3715192, MONDO:0014157, OMIM 615381.
Hereditary cancer-predisposing syndrome. Also called: Hereditary Cancer Syndrome; Neoplastic Syndromes, Hereditary; Hereditary neoplastic syndrome; Tumor predisposition. Identifiers: Orphanet 140162, MedGen C0027672, MeSH D009386, MONDO:0015356.

Allele frequency attached by ClinVar (database versions not stated): gnomAD exomes 0.00002; ExAC 0.00005.

Submissions (5):

Labcorp Genetics (formerly Invitae), Labcorp
Classification: Uncertain significance for POLD1-related polyposis and colorectal cancer syndrome. Last evaluated: 2025-08-18. Review status: criteria provided, single submitter. Criteria: Invitae Variant Classification Sherloc (09022015). Collection method: clinical testing. Allele origin: germline.
Comment: This sequence change replaces leucine, which is neutral and non-polar, with phenylalanine, which is neutral and non-polar, at codon 995 of the POLD1 protein (p.Leu995Phe). The frequency data for this variant in the population databases is considered unreliable, as metrics indicate poor data quality at this position in the gnomAD database. This variant has not been reported in the literature in individuals affected with POLD1-related conditions. ClinVar contains an entry for this variant (Variation ID: 239326). Invitae Evidence Modeling of protein sequence and biophysical properties (such as structural, functional, and spatial information, amino acid conservation, physicochemical variation, residue mobility, and thermodynamic stability) indicates that this missense variant is not expected to disrupt POLD1 protein function with a negative predictive value of 80%. In summary, the available evidence is currently insufficient to determine the role of this variant in disease. Therefore, it has been classified as a Variant of Uncertain Significance.

Department of Pathology and Laboratory Medicine, Sinai Health System
Classification: Uncertain significance for POLD1-related polyposis and colorectal cancer syndrome; Mandibular hypoplasia-deafness-progeroid syndrome; Immunodeficiency 120. Last evaluated: 2025-01-02. Review status: criteria provided, single submitter. Criteria: ACMG Guidelines, 2015. Collection method: clinical testing. Allele origin: germline.

Ambry Genetics
Classification: Uncertain significance for Hereditary cancer-predisposing syndrome. Last evaluated: 2024-04-22. Review status: criteria provided, single submitter. Criteria: Ambry Variant Classification Scheme 2023. Collection method: clinical testing. Allele origin: germline.
Comment: The p.L995F variant (also known as c.2983C>T), located in coding exon 23 of the POLD1 gene, results from a C to T substitution at nucleotide position 2983. The leucine at codon 995 is replaced by phenylalanine, an amino acid with highly similar properties. This amino acid position is conserved. In addition, this alteration is predicted to be tolerated by in silico analysis. Since supporting evidence is limited at this time, the clinical significance of this alteration remains unclear.

Fulgent Genetics
Classification: Uncertain significance for POLD1-related polyposis and colorectal cancer syndrome; Mandibular hypoplasia-deafness-progeroid syndrome; Immunodeficiency 120. Last evaluated: 2024-01-02. Review status: criteria provided, single submitter. Criteria: ACMG Guidelines, 2015. Collection method: clinical testing. Allele origin: germline.

GeneDx
Classification: Uncertain significance. Last evaluated: 2023-09-05. Review status: criteria provided, single submitter. Criteria: GeneDx Variant Classification Process June 2021. Collection method: clinical testing. Allele origin: germline. Affected: yes.
Comment: Not observed at a significant frequency in large population cohorts (gnomAD); In silico analysis supports that this missense variant does not alter protein structure/function; Has not been previously published as pathogenic or benign to our knowledge